The following is an entry in ClinVar:

NM_025137.4(SPG11):c.3510del (p.Ala1171fs)

Gene: SPG11 (SPG11 vesicle trafficking associated, spatacsin; minus strand). Cytogenetic location: 15q21.1.
Variant type: Deletion.
Coding change: c.3510del on transcript NM_025137.4 (MANE Select); coding-DNA position 3510, one base deleted (A; older notation c.3510delA).
Protein change: p.Ala1171fs; shifts the reading frame from alanine 1171.
Molecular consequence: frameshift variant.
Genome position (GRCh38, 1-based): chr15:44,606,035, T deleted on the plus strand (A on the coding strand, the reverse complement: SPG11 is on the minus strand). VCF-style (leftmost placement, unchanged base first): chr15-44606034-CT-C. GRCh37 (hg19) VCF-style: chr15-44898232-CT-C.
Other names: c.3510del, p.Ala1171fs (NM_001160227.2); short protein forms A1171fs.
Identifiers: ClinVar variation 1453276 (VCV001453276.6), dbSNP rs1363959441, ClinGen allele CA617671485.
Genomic context (GRCh38, chr15:44,606,034, plus strand): 5'-TGTAGTTAACACTGCTAAAACATGTCTCAAGAAGTACCCATGATGACTTACCTCCTATAG[CT>C]AGTGTGTTAGCAGACTGCCAGCCAAACAATCTGCTAGGATCAAAGGGTGATAATGACTGA-3'

ClinVar aggregate classification (germline): Pathogenic (1 of 4 stars; one submission).

Conditions:
Hereditary spastic paraplegia 11. Also called: Spastic Paraplegia 11; Nakamura Osame syndrome; Autosomal recessive hereditary spastic paraplegia, mental impairment, and thin corpus callosum; SPASTIC PARAPLEGIA, AUTOSOMAL RECESSIVE, COMPLICATED, WITH THIN CORPUS CALLOSUM; SPASTIC PARAPLEGIA, AUTOSOMAL RECESSIVE, WITH MENTAL IMPAIRMENT AND THIN CORPUS CALLOSUM; Spastic paraplegia, mental retardation and thin corpus callosum. Identifiers: Orphanet 2822, MedGen C1858479, MONDO:0011445, OMIM 604360.

Allele frequency attached by ClinVar (database versions not stated): gnomAD 0.00001.

Submission:

Labcorp Genetics (formerly Invitae), Labcorp
Classification: Pathogenic for Hereditary spastic paraplegia 11. Last evaluated: 2021-11-18. Review status: criteria provided, single submitter. Criteria: Invitae Variant Classification Sherloc (09022015). Collection method: clinical testing. Allele origin: germline.
Comment: For these reasons, this variant has been classified as Pathogenic. This variant is present in population databases (no rsID available, gnomAD 0.007%). This variant has not been reported in the literature in individuals affected with SPG11-related conditions. This sequence change creates a premature translational stop signal (p.Ala1171Leufs*2) in the SPG11 gene. It is expected to result in an absent or disrupted protein product. Loss-of-function variants in SPG11 are known to be pathogenic (PMID: 19105190, 20110243, 22154821, 26556829).

Literature cited by the submitters: PubMed 19105190; PubMed 20110243; PubMed 22154821; PubMed 26556829.